The following is an entry in ClinVar:

ClinVar aggregate classification (germline): Benign/Likely benign. Review status: criteria provided, multiple submitters, no conflicts (2 of 4 stars). 3 submissions from 3 submitters: Benign (1); Likely benign (2). Last evaluated 2025-06-19.

Conditions:
Episodic ataxia type 2 (EA2). Also called: ATAXIA, EPISODIC, WITH NYSTAGMUS; ATAXIA, FAMILIAL PAROXYSMAL; CEREBELLAR ATAXIA, PAROXYSMAL, ACETAZOLAMIDE-RESPONSIVE; CEREBELLOPATHY, HEREDITARY PAROXYSMAL; EPISODIC ATAXIA, NYSTAGMUS-ASSOCIATED; ACETAZOLAMIDE-RESPONSIVE HEREDITARY PAROXYSMAL CEREBELLAR ATAXIA. Identifiers: Orphanet 97, MedGen C1720416, MONDO:0007163, OMIM 108500.
Developmental and epileptic encephalopathy, 42 (DEE42A). Also called: DEVELOPMENTAL AND EPILEPTIC ENCEPHALOPATHY 42A; EPILEPTIC ENCEPHALOPATHY, EARLY INFANTILE, 42A; Epileptic encephalopathy, early infantile, 42. Identifiers: MedGen C4310716, MONDO:0014917, OMIM 617106.

Allele frequency attached by ClinVar (database versions not stated): gnomAD exomes 0.00015 and 0.00029; ESP Exome Variant Server 0.00025; gnomAD 0.00002 and 0.00006; TOPMed 0.00005; 1000 Genomes Project 30x 0.00047; ExAC 0.00084.

Submissions (3):

Labcorp Genetics (formerly Invitae), Labcorp
Classification: Benign for Developmental and epileptic encephalopathy, 42; Episodic ataxia type 2. Last evaluated: 2025-06-19. Review status: criteria provided, single submitter. Criteria: Invitae Variant Classification Sherloc (09022015). Collection method: clinical testing. Allele origin: germline.

Blueprint Genetics
Classification: Likely benign. Last evaluated: 2024-10-08. Review status: criteria provided, single submitter. Criteria: ACMG Guidelines, 2015. Collection method: clinical testing. Allele origin: germline.

GeneDx
Classification: Likely benign. Last evaluated: 2017-10-24. Review status: criteria provided, single submitter. Criteria: GeneDx Variant Classification (06012015). Collection method: clinical testing. Allele origin: germline. Affected: yes.
Comment: This variant is considered likely benign or benign based on one or more of the following criteria: it is a conservative change, it occurs at a poorly conserved position in the protein, it is predicted to be benign by multiple in silico algorithms, and/or has population frequency not consistent with disease.

NM_001127222.2(CACNA1A):c.5731+14del

Gene: CACNA1A (calcium voltage-gated channel subunit alpha1 A; minus strand). Cytogenetic location: 19p13.13.
Variant type: Deletion.
Coding change: c.5731+14del on transcript NM_001127222.2 (MANE Select); 14 bases into the intron after coding-DNA position 5731, one base deleted (A; older notation c.5731+14delA).
Molecular consequence: intron variant.
Genome position (GRCh38, 1-based): chr19:13,224,653, T deleted on the plus strand (A on the coding strand, the reverse complement: CACNA1A is on the minus strand). VCF-style (leftmost placement, unchanged base first): chr19-13224652-CT-C. GRCh37 (hg19) VCF-style: chr19-13335466-CT-C.
Other names: c.5734+14del (NM_001127221.2); c.5740+14del (NM_001174080.2); c.5749+14del (NM_000068.4, NM_023035.3); c.5734+14delA (NM_001127221.1).
Identifiers: ClinVar variation 512801 (VCV000512801.10), dbSNP rs762645821, ClinGen allele CA9239617.
Genomic context (GRCh38, chr19:13,224,652, plus strand): 5'-AGTTTGGGGTAGGGAGGGAGATCCCCGGTTCCACCCTGTCACGCCTGTCTGTGCCCGCCC[CT>C]GTCCCTTCCTTACCCTTGGCAATCTTGATGTCCAGGGCTGTGCGGATCAGAGCCATGAGG-3'